The following is an entry in ClinVar:

ClinVar aggregate classification (germline): Uncertain significance (1 of 4 stars; one submission).

Conditions:
Hereditary cancer-predisposing syndrome. Also called: Neoplastic Syndromes, Hereditary; Tumor predisposition; Hereditary Cancer Syndrome; Hereditary neoplastic syndrome. Identifiers: Orphanet 140162, MedGen C0027672, MeSH D009386, MONDO:0015356.

Submission:

Ambry Genetics
Classification: Uncertain significance for Hereditary cancer-predisposing syndrome. Last evaluated: 2025-11-10. Review status: criteria provided, single submitter. Criteria: Ambry Variant Classification Scheme 2023. Collection method: clinical testing. Allele origin: germline.
Comment: The c.1770delC variant, located in coding exon 16 of the NF2 gene, results from a deletion of one nucleotide at nucleotide position 1770, causing a translational frameshift with a predicted alternate stop codon (p.F591Sfs*8). This alteration occurs at the 3' terminus of the gene, is not expected to trigger nonsense-mediated mRNAdecay and results in the elongation of the protein by 2 amino acids. This frameshift impacts the last 5 amino acids of the native protein. The exact functional effect of the altered amino acids is unknown. Based on the available evidence, the clinical significance of this variant remains unclear.

NM_000268.4(NF2):c.1770del (p.Phe591fs)

Gene: NF2 (NF2, moesin-ezrin-radixin like (MERLIN) tumor suppressor; plus strand). Cytogenetic location: 22q12.2.
Variant type: Deletion.
Coding change: c.1770del on transcript NM_000268.4 (MANE Select); coding-DNA position 1770, one base deleted (C; older notation c.1770delC).
Protein change: p.Phe591fs; shifts the reading frame from phenylalanine 591.
Molecular consequence: frameshift variant. On other transcripts: 3 prime UTR variant (11), non-coding transcript variant (1).
Genome position (GRCh38, 1-based): chr22:29,694,784, C deleted; the last of 2 consecutive C bases (chr22:29,694,783-29,694,784); deleting either gives the same sequence. VCF-style (leftmost placement, unchanged base first): chr22-29694782-GC-G. GRCh37 (hg19) VCF-style: chr22-30090771-GC-G.
Other names: c.1656del, p.Phe553fs (NM_001407053.1); c.1647del, p.Phe550fs (NM_001407054.1); c.1644del, p.Phe549fs (NM_001407055.1); c.*42del (NM_001407056.1, NM_001407059.1, NM_001407065.1 and 5 more transcripts); c.1635del, p.Phe546fs (NM_001407057.1); c.*57del (NM_001407058.1, NM_001407063.1, NM_181832.3); c.1607del, p.Pro536fs (NM_001407060.1); c.1512del, p.Phe505fs (NM_001407062.1); and 2 more; short protein forms P453fs, F505fs, P536fs, F161fs, F550fs, F553fs, F546fs, F549fs.
Identifiers: ClinVar variation 4661468 (VCV004661468.1).
Genomic context (GRCh38, chr22:29,694,782, plus strand): 5'-CCTCTCAGCTTCTTCTCTGCTTTCTTACAGCTCACCTTGCAGAGCGCCAAGTCCCGAGTG[GC>G]CTTCTTTGAAGAGCTCTAGCAGGTGACCCAGCCACCCCAGGACCTGCCACTTCTCCTGCT-3'